The following is an entry in ClinVar:

ClinVar aggregate classification (germline): Uncertain significance. Review status: criteria provided, multiple submitters, no conflicts (2 of 4 stars). 2 submissions from 2 submitters: Uncertain significance (2). Last evaluated 2026-01-05.

Conditions:
POLD1-related polyposis and colorectal cancer syndrome (CRCS10). Also called: Colorectal cancer 10; COLORECTAL CANCER, SUSCEPTIBILITY TO, ON CHROMOSOME 19q; Colorectal cancer, susceptibility to, 10. Identifiers: Orphanet 220460, MedGen C2675481, MONDO:0012953, OMIM 612591.
Hereditary cancer-predisposing syndrome. Also called: Tumor predisposition; Hereditary Cancer Syndrome; Hereditary neoplastic syndrome; Neoplastic Syndromes, Hereditary. Identifiers: Orphanet 140162, MedGen C0027672, MeSH D009386, MONDO:0015356.

Allele frequency attached by ClinVar (database versions not stated): TOPMed below 0.00001.

Submissions (2):

Labcorp Genetics (formerly Invitae), Labcorp
Classification: Uncertain significance for POLD1-related polyposis and colorectal cancer syndrome. Last evaluated: 2026-01-05. Review status: criteria provided, single submitter. Criteria: Invitae Variant Classification Sherloc (09022015). Collection method: clinical testing. Allele origin: germline.
Comment: This sequence change replaces glutamic acid, which is acidic and polar, with aspartic acid, which is acidic and polar, at codon 191 of the POLD1 protein (p.Glu191Asp). This variant is not present in population databases (gnomAD no frequency). This variant has not been reported in the literature in individuals affected with POLD1-related conditions. ClinVar contains an entry for this variant (Variation ID: 959547). Invitae Evidence Modeling of protein sequence and biophysical properties (such as structural, functional, and spatial information, amino acid conservation, physicochemical variation, residue mobility, and thermodynamic stability) indicates that this missense variant is not expected to disrupt POLD1 protein function with a negative predictive value of 80%. In summary, the available evidence is currently insufficient to determine the role of this variant in disease. Therefore, it has been classified as a Variant of Uncertain Significance.

Ambry Genetics
Classification: Uncertain significance for Hereditary cancer-predisposing syndrome. Last evaluated: 2025-06-20. Review status: criteria provided, single submitter. Criteria: Ambry Variant Classification Scheme 2023. Collection method: clinical testing. Allele origin: germline.
Comment: The p.E191D variant (also known as c.573A>C), located in coding exon 4 of the POLD1 gene, results from an A to C substitution at nucleotide position 573. The glutamic acid at codon 191 is replaced by aspartic acid, an amino acid with highly similar properties. This amino acid position is conserved. In addition, this alteration is predicted to be tolerated by in silico analysis. Since supporting evidence is limited at this time, the clinical significance of this alteration remains unclear.

NM_002691.4(POLD1):c.573A>C (p.Glu191Asp)

Gene: POLD1 (DNA polymerase delta 1, catalytic subunit; plus strand). Cytogenetic location: 19q13.33.
Variant type: single nucleotide variant.
Coding change: c.573A>C on transcript NM_002691.4 (MANE Select); coding-DNA position 573, A replaced by C.
Protein change: p.Glu191Asp; replaces glutamic acid 191 with aspartic acid.
Molecular consequence: missense variant. On other transcripts: non-coding transcript variant (1).
Genome position (GRCh38, 1-based): chr19:50,402,108, A>C. VCF-style: chr19-50402108-A-C. GRCh37 (hg19) VCF-style: chr19-50905365-A-C.
Other names: c.573A>C, p.Glu191Asp (NM_001256849.1, NM_001308632.1); short protein forms E191D.
Identifiers: ClinVar variation 959547 (VCV000959547.11), dbSNP rs1044023384, ClinGen allele CA309599384.
Genomic context (GRCh38, chr19:50,402,108, plus strand): 5'-CATCAGCCGGGACAGTCGCGGGGGGAGGGAGCTGACTGGGCCGGCCGTGCTGGCTGTGGA[A>C]CTGTGCTCCCGAGAGAGTGAGTGCTCCCCCAGGATCAGCGGGTTGGAGGGTCCCCTCGGG-3'
Protein context (NP_002682.2, residues 181-201): ELTGPAVLAV[Glu191Asp]LCSRESMFGY